The following is an entry in ClinVar:

ClinVar aggregate classification (germline): Likely benign (0 of 4 stars; one submission).

Conditions:
OBSL1-related disorder. Also called: OBSL1-related condition.

Allele frequency attached by ClinVar (database versions not stated): gnomAD exomes below 0.00001; ExAC 0.00002; TOPMed 0.00008; gnomAD 0.00009.
gnomAD v4.1: 19 of 1,613,732 alleles (0.0012%); highest among the groups gnomAD compares: African/African-American, 0.025%; no homozygotes.

Submission:

PreventionGenetics, part of Exact Sciences
Classification: Likely benign for OBSL1-related condition. Last evaluated: 2019-09-18. Review status: no assertion criteria provided. Collection method: clinical testing. Allele origin: germline.
Comment: This variant is classified as likely benign based on ACMG/AMP sequence variant interpretation guidelines (Richards et al. 2015 PMID: 25741868, with internal and published modifications).

NM_015311.3(OBSL1):c.1359A>G (p.Leu453=)

Gene: OBSL1 (obscurin like cytoskeletal adaptor 1; minus strand). Cytogenetic location: 2q35.
Variant type: single nucleotide variant.
Coding change: c.1359A>G on transcript NM_015311.3 (MANE Select); coding-DNA position 1359, A replaced by G.
Protein change: p.Leu453=; no amino-acid change (leucine 453 retained).
Molecular consequence: synonymous variant.
Genome position (GRCh38, 1-based): chr2:219,567,893, T>C on the plus strand (A>G on the coding strand, the complement: OBSL1 is on the minus strand). VCF-style: chr2-219567893-T-C. GRCh37 (hg19) VCF-style: chr2-220432615-T-C.
Other names: c.1359A>G, p.Leu453= (NM_001173408.2, NM_001173431.2).
Identifiers: ClinVar variation 3040794 (VCV003040794.2), dbSNP rs746337024, ClinGen allele CA2131548.